The following is an entry in ClinVar:

ClinVar aggregate classification (germline): Uncertain significance (1 of 4 stars; one submission).

Conditions:
Childhood-onset motor and cognitive regression syndrome with extrapyramidal movement disorder. Also called: NEURODEGENERATION, CHILDHOOD-ONSET, WITH BRAIN ATROPHY. Identifiers: Orphanet 500180, MedGen C4540086, MONDO:0044701, OMIM 617672.

gnomAD v4.1: 89 of 1,613,742 alleles (0.0055%); highest among the groups gnomAD compares: Non-Finnish European, 0.0069%; no homozygotes.

Submission:

Dasa
Classification: Uncertain significance for Childhood-onset motor and cognitive regression syndrome with extrapyramidal movement disorder. Last evaluated: 2025-10-07. Review status: criteria provided, single submitter. Criteria: DASA Assertion Criteria. Collection method: clinical testing. Allele origin: germline.
Comment: NM_014233.4(UBTF):c.474+3G>T is a splice-region variant. This variant is rare in population databases. Computational prediction algorithms are consistent with a deleterious effect. The currently available literature and clinical evidence are not sufficient to establish a definitive association between this variant and the reported condition. Therefore, this variant is classified as a variant of uncertain significance.

NM_014233.4(UBTF):c.474+3G>T

Genes: ATXN7L3-AS1 (ATXN7L3 antisense RNA 1; plus strand), UBTF (upstream binding transcription factor; minus strand). Cytogenetic location: 17q21.31.
Variant type: single nucleotide variant.
Coding change: c.474+3G>T on transcript NM_014233.4 (MANE Select); 3 bases into the intron after coding-DNA position 474, G replaced by T.
Molecular consequence: intron variant.
Genome position (GRCh38, 1-based): chr17:44,215,651, C>A on the plus strand (G>T on the coding strand, the complement: UBTF is on the minus strand). VCF-style: chr17-44215651-C-A. GRCh37 (hg19) VCF-style: chr17-42293019-C-A.
Other names: c.474+3G>T (NM_001076683.2, NM_001076684.3).
Identifiers: ClinVar variation 4883463 (VCV004883463.2).